The following is an entry in ClinVar:

NM_006420.3(ARFGEF2):c.2318C>T (p.Ala773Val)

Gene: ARFGEF2 (ARF guanine nucleotide exchange factor 2; plus strand). Cytogenetic location: 20q13.13.
Variant type: single nucleotide variant.
Coding change: c.2318C>T on transcript NM_006420.3 (MANE Select); coding-DNA position 2318, C replaced by T.
Protein change: p.Ala773Val; replaces alanine 773 with valine.
Molecular consequence: missense variant.
Genome position (GRCh38, 1-based): chr20:48,988,345, C>T. VCF-style: chr20-48988345-C-T. GRCh37 (hg19) VCF-style: chr20-47604882-C-T.
Other names: c.2315C>T, p.Ala772Val (NM_001410846.1); short protein forms A772V, A773V.
Identifiers: ClinVar variation 3698559 (VCV003698559.2).

ClinVar aggregate classification (germline): Uncertain significance (1 of 4 stars; one submission).

gnomAD v4.1: 28 of 1,613,674 alleles (0.0017%); highest among the groups gnomAD compares: East Asian, 0.038%; no homozygotes.

Submission:

Labcorp Genetics (formerly Invitae), Labcorp
Classification: Uncertain significance. Last evaluated: 2025-03-07. Review status: criteria provided, single submitter. Criteria: Invitae Variant Classification Sherloc (09022015). Collection method: clinical testing. Allele origin: germline.
Comment: This sequence change replaces alanine, which is neutral and non-polar, with valine, which is neutral and non-polar, at codon 773 of the ARFGEF2 protein (p.Ala773Val). This variant is present in population databases (rs562272956, gnomAD 0.03%). This variant has not been reported in the literature in individuals affected with ARFGEF2-related conditions. An algorithm developed to predict the effect of missense changes on protein structure and function (PolyPhen-2) suggests that this variant is likely to be disruptive. In summary, the available evidence is currently insufficient to determine the role of this variant in disease. Therefore, it has been classified as a Variant of Uncertain Significance.